The following is an entry in ClinVar:

ClinVar aggregate classification (germline): Uncertain significance (1 of 4 stars; one submission).

gnomAD v4.1: 1 of 1,614,212 alleles (0.000062%); no homozygotes.

Submission:

GeneDx
Classification: Uncertain significance. Last evaluated: 2026-02-13. Review status: criteria provided, single submitter. Criteria: GeneDx Variant Classification Process June 2021. Collection method: clinical testing. Allele origin: germline.
Comment: Not observed at significant frequency in large population cohorts (gnomAD); In silico analysis supports that this missense variant has a deleterious effect on protein structure/function; Has not been previously published as pathogenic or benign to our knowledge; Variants in candidate genes are classified as variants of uncertain significance in accordance with ACMG guidelines (PMID: 25741868)

NM_032193.4(RNASEH2C):c.*1170C>T

Genes: KAT5 (lysine acetyltransferase 5; plus strand), RNASEH2C (ribonuclease H2 subunit C; minus strand). Cytogenetic location: 11q13.1.
Variant type: single nucleotide variant.
Coding change: c.*1170C>T on transcript NM_032193.4 (MANE Select); 1170 bases downstream of the stop codon, C replaced by T.
Molecular consequence: 3 prime UTR variant. On other transcripts: missense variant (4).
Genome position (GRCh38, 1-based): chr11:65,718,613, G>A on the plus strand (C>T on the coding strand, the complement: RNASEH2C is on the minus strand). VCF-style: chr11-65718613-G-A. GRCh37 (hg19) VCF-style: chr11-65486084-G-A.
Other names: c.1132G>A, p.Gly378Arg (NM_001206833.2); c.1189G>A, p.Gly397Arg (NM_006388.4); c.1033G>A, p.Gly345Arg (NM_182709.3); c.1288G>A, p.Gly430Arg (NM_182710.3); short protein forms G345R, G378R, G397R, G430R.
Identifiers: ClinVar variation 4975799 (VCV004975799.1).